The following is an entry in ClinVar:

ClinVar aggregate classification (germline): Uncertain significance (1 of 4 stars; one submission).

Conditions:
Hematuria. Identifiers: MedGen C0018965, HP:0000790.

Submission:

Genetics Laboratory, Great Ormond Street Hospital NHS Foundation Trust, North Thames Genomic Laboratory Hub
Classification: Uncertain significance for Haematuria. Last evaluated: 2026-02-18. Review status: criteria provided, single submitter. Criteria: ACGS Best Practice Guidelines for Variant Classification in Rare Disease 2024 v1.2. Collection method: clinical testing. Allele origin: germline. Affected: yes.
Comment: PM2_moderate, PP3_supporting, PM1_supporting

NM_033380.3(COL4A5):c.3004C>A (p.Pro1002Thr)

Gene: COL4A5 (collagen type IV alpha 5 chain; plus strand). Cytogenetic location: Xq22.3.
Variant type: single nucleotide variant.
Coding change: c.3004C>A on transcript NM_033380.3 (MANE Select); coding-DNA position 3004, C replaced by A.
Protein change: p.Pro1002Thr; replaces proline 1002 with threonine.
Molecular consequence: missense variant.
Genome position (GRCh38, 1-based): chrX:108,624,322, C>A. VCF-style: chrX-108624322-C-A. GRCh37 (hg19) VCF-style: chrX-107867552-C-A.
Other names: c.3004C>A, p.Pro1002Thr (NM_000495.5); short protein forms P1002T.
Identifiers: ClinVar variation 4820290 (VCV004820290.1).